The following is an entry in ClinVar:

NM_007294.4(BRCA1):c.229A>T (p.Thr77Ser)

Gene: BRCA1 (BRCA1 DNA repair associated; minus strand). Cytogenetic location: 17q21.31.
Variant type: single nucleotide variant.
Coding change: c.229A>T on transcript NM_007294.4 (MANE Select); coding-DNA position 229, A replaced by T.
Protein change: p.Thr77Ser; replaces threonine 77 with serine.
Molecular consequence: missense variant. On other transcripts: non-coding transcript variant (1).
Genome position (GRCh38, 1-based): chr17:43,104,940, T>A on the plus strand (A>T on the coding strand, the complement: BRCA1 is on the minus strand). VCF-style: chr17-43104940-T-A. GRCh37 (hg19) VCF-style: chr17-41256957-T-A.
Other names: c.19A>T, p.Thr7Ser (NM_001407571.1, NM_001407853.1, NM_001407879.1 and 58 more transcripts); c.229A>T, p.Thr77Ser (NM_001407581.1, NM_001407582.1, NM_001407583.1 and 168 more transcripts); c.151A>T, p.Thr51Ser (NM_001407653.1, NM_001407654.1, NM_001407655.1 and 21 more transcripts); c.88A>T, p.Thr30Ser (NM_001407692.1, NM_001407694.1, NM_001407695.1 and 99 more transcripts); c.-153A>T (NM_001407962.1, NM_001407963.1, NM_001407965.1 and 4 more transcripts); c.97A>T, p.Thr33Ser (NM_001408451.1); short protein forms T30S, T77S, T51S, T7S, T33S.
Identifiers: ClinVar variation 865303 (VCV000865303.6), dbSNP rs2054694217, ClinGen allele CA10601700.

ClinVar aggregate classification (germline): Conflicting classifications of pathogenicity. Review status: criteria provided, conflicting classifications (1 of 4 stars). 2 submissions from 2 submitters: Uncertain significance (1); Likely benign (1). Last evaluated 2025-05-07.

Conditions:
Hereditary cancer-predisposing syndrome. Also called: Tumor predisposition; Hereditary Cancer Syndrome; Hereditary neoplastic syndrome; Neoplastic Syndromes, Hereditary. Identifiers: Orphanet 140162, MedGen C0027672, MeSH D009386, MONDO:0015356.
Hereditary breast ovarian cancer syndrome. Also called: Hereditary breast and/or ovarian cancer syndrome; BRCA1- and BRCA2-Associated Hereditary Breast and Ovarian Cancer; Hereditary breast and ovarian cancer syndrome; Hereditary breast and ovarian cancer; Hereditary breast and ovarian cancer syndrome (HBOC); Breast and ovarian cancer. Identifiers: Orphanet 145, MedGen C0677776, MeSH D061325, MONDO:0003582. Disease mechanism: loss of function.

Submissions (3):

Ambry Genetics
Classification: Likely benign for Hereditary cancer-predisposing syndrome. Last evaluated: 2025-05-07. Review status: criteria provided, single submitter. Criteria: Ambry Variant Classification Scheme 2023. Collection method: clinical testing. Allele origin: germline.

Labcorp Genetics (formerly Invitae), Labcorp
Classification: Uncertain significance for Hereditary breast ovarian cancer syndrome. Last evaluated: 2024-07-16. Review status: criteria provided, single submitter. Criteria: Invitae Variant Classification Sherloc (09022015). Collection method: clinical testing. Allele origin: germline.
Comment: This sequence change replaces threonine, which is neutral and polar, with serine, which is neutral and polar, at codon 77 of the BRCA1 protein (p.Thr77Ser). This variant is not present in population databases (gnomAD no frequency). This variant has not been reported in the literature in individuals affected with BRCA1-related conditions. ClinVar contains an entry for this variant (Variation ID: 865303). Advanced modeling performed at Invitae incorporating data from internal and/or published experimental studies (PMID: 30209399) indicates that this missense variant is not expected to disrupt BRCA1 function with a negative predictive value of 95%. In summary, the available evidence is currently insufficient to determine the role of this variant in disease. Therefore, it has been classified as a Variant of Uncertain Significance.

Brotman Baty Institute, University of Washington
No classification provided (evidence only). Condition: Breast-ovarian cancer, familial 1. Review status: no classification provided. Collection method: in vitro. Allele origin: not applicable. Functional consequence: functionally_normal. Not counted in ClinVar's aggregate classification.
ClinVar note: "not provided" was previously submitted as the classification for the variant. However, the classification appeared to be based only on an observation of functional data so it was converted to no classification on 2025-07-30.

Literature cited by the submitters: PubMed 30209399 (cited by Labcorp Genetics (formerly Invitae), Labcorp).